The following is an entry in ClinVar:

ClinVar aggregate classification (germline): Uncertain significance (1 of 4 stars; one submission).

Allele frequency attached by ClinVar (database versions not stated): gnomAD exomes below 0.00001.
gnomAD v4.1: 1 of 1,607,484 alleles (0.000062%); highest among the groups gnomAD compares: Non-Finnish European, 0.000085%; no homozygotes.

Submission:

Labcorp Genetics (formerly Invitae), Labcorp
Classification: Uncertain significance. Last evaluated: 2022-05-10. Review status: criteria provided, single submitter. Criteria: Invitae Variant Classification Sherloc (09022015). Collection method: clinical testing. Allele origin: germline.
Comment: In summary, the available evidence is currently insufficient to determine the role of this variant in disease. Therefore, it has been classified as a Variant of Uncertain Significance. Algorithms developed to predict the effect of missense changes on protein structure and function are either unavailable or do not agree on the potential impact of this missense change (SIFT: "Deleterious"; PolyPhen-2: "Probably Damaging"; Align-GVGD: "Class C0"). This variant has not been reported in the literature in individuals affected with CCT2-related conditions. This variant is not present in population databases (gnomAD no frequency). This sequence change replaces arginine, which is basic and polar, with histidine, which is basic and polar, at codon 25 of the CCT2 protein (p.Arg25His).

NM_006431.3(CCT2):c.74G>A (p.Arg25His)

Gene: CCT2 (chaperonin containing TCP1 subunit 2; plus strand). Cytogenetic location: 12q15.
Variant type: single nucleotide variant.
Coding change: c.74G>A on transcript NM_006431.3 (MANE Select); coding-DNA position 74, G replaced by A.
Protein change: p.Arg25His; replaces arginine 25 with histidine.
Molecular consequence: missense variant. On other transcripts: 5 prime UTR variant (1).
Genome position (GRCh38, 1-based): chr12:69,586,340, G>A. VCF-style: chr12-69586340-G-A. GRCh37 (hg19) VCF-style: chr12-69980120-G-A.
Other names: c.-68G>A (NM_001198842.2); short protein forms R25H.
Identifiers: ClinVar variation 1992649 (VCV001992649.4), dbSNP rs2135848375, ClinGen allele CA385722812.